The following is an entry in ClinVar:

ClinVar aggregate classification (germline): Uncertain significance. Review status: criteria provided, multiple submitters, no conflicts (2 of 4 stars). 2 submissions from 2 submitters: Uncertain significance (2). Last evaluated 2026-02-17.

Conditions:
BBS5-related disorder. Also called: BBS5-related condition.

Submissions (2):

PreventionGenetics, part of Exact Sciences
Classification: Uncertain significance for BBS5-related condition. Last evaluated: 2026-02-17. Review status: criteria provided, single submitter. Criteria: ACMG Guidelines, 2015. Collection method: clinical testing. Allele origin: germline.
Comment: The BBS5 c.143-6_143-3delinsAAA variant is predicted to result in an in-frame deletion and insertion. This variant is predicted to alter splicing based on available splicing prediction programs (Alamut Visual v1.6.1; SpliceAI, Jaganathan et al. 2019. PubMed ID: 30661751). However, the use of computer prediction programs is not equivalent to functional evidence. To our knowledge, this variant has not been reported in the literature or in a large population database (gnomAD), indicating this variant is rare. At this time, the clinical significance of this variant is uncertain due to the absence of conclusive functional and genetic evidence.

Blueprint Genetics
Classification: Uncertain significance. Last evaluated: 2021-10-19. Review status: criteria provided, single submitter. Criteria: ACMG Guidelines, 2015. Collection method: clinical testing. Allele origin: germline.

NM_152384.3(BBS5):c.143-6_143-3delinsAAA

Gene: BBS5 (Bardet-Biedl syndrome 5; plus strand). Cytogenetic location: 2q31.1.
Variant type: Indel.
Coding change: c.143-6_143-3delinsAAA on transcript NM_152384.3 (MANE Select); 6 bases into the intron before coding-DNA position 143 through 3 bases into the intron before coding-DNA position 143, TTTT replaced by AAA.
Molecular consequence: intron variant.
Genome position (GRCh38, 1-based): chr2:169,487,063-169,487,066, TTTT replaced by AAA. VCF-style: chr2-169487063-TTTT-AAA. GRCh37 (hg19) VCF-style: chr2-170343573-TTTT-AAA.
Other names: c.143-6_143-3delinsAAA (NM_152384.2).
Identifiers: ClinVar variation 3345820 (VCV003345820.3).